The following is an entry in ClinVar:

NM_015061.6(KDM4C):c.2167G>A (p.Val723Ile)

Gene: KDM4C (lysine demethylase 4C; plus strand). Cytogenetic location: 9p24.1.
Variant type: single nucleotide variant.
Coding change: c.2167G>A on transcript NM_015061.6 (MANE Select); coding-DNA position 2167, G replaced by A.
Protein change: p.Val723Ile; replaces valine 723 with isoleucine.
Molecular consequence: missense variant. On other transcripts: non-coding transcript variant (5).
Genome position (GRCh38, 1-based): chr9:7,013,986, G>A. VCF-style: chr9-7013986-G-A. GRCh37 (hg19) VCF-style: chr9-7013986-G-A.
Other names: c.2167G>A, p.Val723Ile (NM_001146695.4, NM_001304339.4, NM_001353997.3 and 1 more transcripts); c.2233G>A, p.Val745Ile (NM_001146696.2); c.1402G>A, p.Val468Ile (NM_001304340.4); c.856G>A, p.Val286Ile (NM_001353999.3, NM_001354000.3, NM_001354001.3); short protein forms V286I, V468I, V723I, V745I.
Identifiers: ClinVar variation 4543056 (VCV004543056.1).

ClinVar aggregate classification (germline): Uncertain significance (1 of 4 stars; one submission).

gnomAD v4.1: 110 of 1,612,770 alleles (0.0068%); highest among the groups gnomAD compares: East Asian, 0.069%; no homozygotes.

Submission:

Ambry Genetics
Classification: Uncertain significance. Last evaluated: 2025-09-26. Review status: criteria provided, single submitter. Criteria: Ambry Variant Classification Scheme 2023. Collection method: clinical testing. Allele origin: germline.
Comment: The c.2167G>A (p.V723I) alteration is located in exon 14 (coding exon 13) of the KDM4C gene. This alteration results from a G to A substitution at nucleotide position 2167, causing the valine (V) at amino acid position 723 to be replaced by an isoleucine (I). Based on data from gnomAD, the A allele has an overall frequency of 0.006% (16/250484) total alleles studied. The highest observed frequency was 0.033% (6/18374) of East Asian alleles. Based on insufficient or conflicting evidence, the clinical significance of this alteration remains unclear.